The following is an entry in ClinVar:

NM_004360.5(CDH1):c.2359G>C (p.Val787Leu)

Gene: CDH1 (cadherin 1; plus strand). Cytogenetic location: 16q22.1.
Variant type: single nucleotide variant.
Coding change: c.2359G>C on transcript NM_004360.5 (MANE Select); coding-DNA position 2359, G replaced by C.
Protein change: p.Val787Leu; replaces valine 787 with leucine.
Molecular consequence: missense variant.
Genome position (GRCh38, 1-based): chr16:68,829,717, G>C. VCF-style: chr16-68829717-G-C. GRCh37 (hg19) VCF-style: chr16-68863620-G-C.
Other names: c.811G>C, p.Val271Leu (NM_001317185.2); c.394G>C, p.Val132Leu (NM_001317186.2); c.2176G>C, p.Val726Leu (NM_001317184.2); short protein forms V726L, V787L, V132L, V271L.
Identifiers: ClinVar variation 4725068 (VCV004725068.1).

ClinVar aggregate classification (germline): Uncertain significance (1 of 4 stars; one submission).

Conditions:
Hereditary diffuse gastric adenocarcinoma (HDGC). Also called: DIFFUSE GASTRIC AND LOBULAR BREAST CANCER SYNDROME. Identifiers: Orphanet 26106, MedGen C1708349, MONDO:0007648, OMIM 137215.

Submission:

Labcorp Genetics (formerly Invitae), Labcorp
Classification: Uncertain significance for Hereditary diffuse gastric adenocarcinoma. Last evaluated: 2025-08-09. Review status: criteria provided, single submitter. Criteria: Invitae Variant Classification Sherloc (09022015). Collection method: clinical testing. Allele origin: germline.
Comment: This sequence change replaces valine, which is neutral and non-polar, with leucine, which is neutral and non-polar, at codon 787 of the CDH1 protein (p.Val787Leu). This variant is not present in population databases (gnomAD no frequency). This variant has not been reported in the literature in individuals affected with CDH1-related conditions. An algorithm developed to predict the effect of missense changes on protein structure and function (PolyPhen-2) suggests that this variant is likely to be disruptive. In summary, the available evidence is currently insufficient to determine the role of this variant in disease. Therefore, it has been classified as a Variant of Uncertain Significance.